The following is an entry in ClinVar:

NM_001754.5(RUNX1):c.458A>G (p.Asn153Ser)

Genes: RUNX1 (RUNX family transcription factor 1; minus strand), RUNX1-AS1 (RUNX1 antisense RNA 1; plus strand). Cytogenetic location: 21q22.12.
Variant type: single nucleotide variant.
Coding change: c.458A>G on transcript NM_001754.5 (MANE Select); coding-DNA position 458, A replaced by G.
Protein change: p.Asn153Ser; replaces asparagine 153 with serine.
Molecular consequence: missense variant.
Genome position (GRCh38, 1-based): chr21:34,880,607, T>C on the plus strand (A>G on the coding strand, the complement: RUNX1 is on the minus strand). VCF-style: chr21-34880607-T-C. GRCh37 (hg19) VCF-style: chr21-36252904-T-C.
Other names: c.377A>G, p.Asn126Ser (NM_001001890.3, NM_001122607.2); short protein forms N153S, N126S.
Identifiers: ClinVar variation 4158218 (VCV004158218.1).

ClinVar aggregate classification (germline): Uncertain significance (1 of 4 stars; one submission).

Conditions:
Inborn genetic diseases. Identifiers: MedGen C0950123, MeSH D030342.

Submission:

Ambry Genetics
Classification: Uncertain significance for Inborn genetic diseases. Last evaluated: 2025-08-08. Review status: criteria provided, single submitter. Criteria: Ambry Variant Classification Scheme 2023. Collection method: clinical testing. Allele origin: germline.
Comment: The p.N153S variant (also known as c.458A>G), located in coding exon 4 of the RUNX1 gene, results from an A to G substitution at nucleotide position 458. The asparagine at codon 153 is replaced by serine, an amino acid with highly similar properties. This amino acid position is conserved. In addition, the in silico prediction for this alteration is inconclusive. Based on the available evidence, the clinical significance of this variant remains unclear.